The following is an entry in ClinVar:

NM_000059.4(BRCA2):c.8755-9T>A

Gene: BRCA2 (BRCA2 DNA repair associated; plus strand). Cytogenetic location: 13q13.1.
Variant type: single nucleotide variant.
Coding change: c.8755-9T>A on transcript NM_000059.4 (MANE Select); 9 bases into the intron before coding-DNA position 8755, T replaced by A.
Molecular consequence: intron variant.
Genome position (GRCh38, 1-based): chr13:32,379,308, T>A. VCF-style: chr13-32379308-T-A. GRCh37 (hg19) VCF-style: chr13-32953445-T-A.
Other names: IVS21-9T>A.
Identifiers: ClinVar variation 38184 (VCV000038184.20), dbSNP rs397507413, ClinGen allele CA025815.
Genomic context (GRCh38, chr13:32,379,308, plus strand): 5'-ATCTAGTTACAATAGATGGAACTTTTTTGTTCTGATTGCTTTTTATTCCAATATCTTAAA[T>A]GGTCACAGGGTTATTTCAGTGAAGAGCAGTTAAGAGCCTTGAATAATCACAGGCAAATGT-3'

ClinVar aggregate classification (germline): Likely pathogenic. Review status: reviewed by expert panel (3 of 4 stars). 4 submissions from 4 submitters: Likely pathogenic (1). 3 of the submissions do not count toward it. Last evaluated 2026-07-23.

Conditions:
BRCA2-related cancer predisposition. Identifiers: MedGen CN377758, MONDO:0700269.
Hereditary cancer-predisposing syndrome. Also called: Neoplastic Syndromes, Hereditary; Tumor predisposition; Hereditary Cancer Syndrome; Hereditary neoplastic syndrome. Identifiers: Orphanet 140162, MedGen C0027672, MeSH D009386, MONDO:0015356.
Hereditary breast ovarian cancer syndrome. Also called: BRCA1- and BRCA2-Associated Hereditary Breast and Ovarian Cancer; Hereditary breast and/or ovarian cancer syndrome; Hereditary breast and ovarian cancer; Breast and ovarian cancer; Hereditary breast and ovarian cancer syndrome; Hereditary breast and ovarian cancer syndrome (HBOC). Identifiers: Orphanet 145, MedGen C0677776, MeSH D061325, MONDO:0003582. Disease mechanism: loss of function.
Breast-ovarian cancer, familial, susceptibility to, 2 (BROVCA2). Also called: BRCA2 Hereditary Breast and Ovarian Cancer. Identifiers: Orphanet 145, MedGen C2675520, MONDO:0012933, OMIM 612555. Disease mechanism: loss of function.

Submissions (4):

ClinGen ENIGMA BRCA1 and BRCA2 Variant Curation Expert Panel, ClinGen
Classification: Likely pathogenic for BRCA2-related cancer predisposition. Last evaluated: 2026-07-23. Review status: reviewed by expert panel. Criteria: CSpec BRCA1/2ACMG Rules Specifications V1.2. Collection method: curation. Allele origin: germline. Inheritance: Autosomal dominant inheritance.
Comment: The c.8755-9T>A variant is an intronic variant occurring in intron 21 of the BRCA2 gene. This variant is absent from gnomAD v4.1 (read depth ≥25x in >90% samples, PM2_Supporting met). This BRCA2 intronic variant is located outside of the native donor and acceptor 1,2 splice sites, and has a SpliceAI score of 0.99, predicting an impact on splicing (score threshold >0.20) (PP3 met). Intronic variant, functional data considered only from assays that measure effect via mRNA and protein. Reported by one calibrated study incorporating mRNA splicing effects to exhibit protein function similar to pathogenic control variants (PMID:39779857) (PS3 met). In summary, this variant meets the criteria to be classified as a Likely pathogenic variant for BRCA2-related cancer predisposition based on the ACMG/AMP criteria applied as specified by the ENIGMA BRCA1/2 VCEP (PM2_Supporting, PP3, PS3).

Labcorp Genetics (formerly Invitae), Labcorp
Classification: Uncertain significance for Hereditary breast ovarian cancer syndrome. Last evaluated: 2025-11-05. Review status: criteria provided, single submitter. Criteria: Invitae Variant Classification Sherloc (09022015). Collection method: clinical testing. Allele origin: germline. Not counted in ClinVar's aggregate classification.
Comment: This sequence change falls in intron 21 of the BRCA2 gene. It does not directly change the encoded amino acid sequence of the BRCA2 protein. This variant is not present in population databases (gnomAD no frequency). This variant has not been reported in the literature in individuals affected with BRCA2-related conditions. ClinVar contains an entry for this variant (Variation ID: 38184). Studies have shown that this variant is associated with inconclusive levels of altered splicing (internal data). In summary, the available evidence is currently insufficient to determine the role of this variant in disease. Therefore, it has been classified as a Variant of Uncertain Significance.

Ambry Genetics
Classification: Likely pathogenic for Hereditary cancer-predisposing syndrome. Last evaluated: 2025-08-15. Review status: criteria provided, single submitter. Criteria: Ambry Variant Classification Scheme 2023. Collection method: clinical testing. Allele origin: germline. Not counted in ClinVar's aggregate classification.
Comment: The c.8755-9T>A intronic variant results from a T to A substitution 9 nucleotides upstream from coding exon 21 in the BRCA2 gene. A saturation genome editing-based study using a haploid cell-survival assay demonstrates that this nucleotide substitution is non-functional (Huang H et al. Nature. 2025 Feb;638(8050):528-537). This nucleotide position is highly conserved in available vertebrate species. In silico splice site analysis predicts that this alteration will weaken the native splice acceptor site and will result in the creation or strengthening of a novel splice acceptor site. RNA studies have demonstrated that this alteration results in abnormal splicing in the set of samples tested (Ambry internal data). This variant is considered to be rare based on population cohorts in the Genome Aggregation Database (gnomAD). Based on the majority of available evidence to date, this variant is likely to be pathogenic.

Sharing Clinical Reports Project (SCRP)
Classification: Uncertain significance for Breast-ovarian cancer, familial 2. Last evaluated: 2006-10-18. Review status: no assertion criteria provided. Collection method: clinical testing. Allele origin: germline. Not counted in ClinVar's aggregate classification.

Literature cited by the submitters: PubMed 39779857 (cited by Ambry Genetics).